The following is an entry in ClinVar:

NM_079420.3(MYL1):c.384C>A (p.Thr128=)

Gene: MYL1 (myosin light chain 1; minus strand). Cytogenetic location: 2q34.
Variant type: single nucleotide variant.
Coding change: c.384C>A on transcript NM_079420.3 (MANE Select); coding-DNA position 384, C replaced by A.
Protein change: p.Thr128=; no amino-acid change (threonine 128 retained).
Molecular consequence: synonymous variant.
Genome position (GRCh38, 1-based): chr2:210,294,339, G>T on the plus strand (C>A on the coding strand, the complement: MYL1 is on the minus strand). VCF-style: chr2-210294339-G-T. GRCh37 (hg19) VCF-style: chr2-211159063-G-T.
Other names: c.252C>A, p.Thr84= (NM_079422.3).
Identifiers: ClinVar variation 4820950 (VCV004820950.5).

ClinVar aggregate classification (germline): Likely benign. Review status: criteria provided, multiple submitters, no conflicts (2 of 4 stars). 2 submissions from 2 submitters: Likely benign (2). Last evaluated 2026-03-01.

gnomAD v4.1: 1,002 of 1,614,040 alleles (0.062%); highest among the groups gnomAD compares: Non-Finnish European, 0.078%; 1 homozygote.

Submissions (2):

CeGaT Center for Human Genetics Tuebingen
Classification: Likely benign. Last evaluated: 2026-03-01. Review status: criteria provided, single submitter. Criteria: CeGaT Center For Human Genetics Tuebingen Variant Classification Criteria Version 2. Collection method: clinical testing. Allele origin: germline. Affected: yes. Observed: 1 variant allele.
Comment: MYL1: BP4, BP7

Blueprint Genetics
Classification: Likely benign. Last evaluated: 2024-09-03. Review status: criteria provided, single submitter. Criteria: ACMG Guidelines, 2015. Collection method: clinical testing. Allele origin: germline.